The following is an entry in ClinVar:

ClinVar aggregate classification (germline): Uncertain significance. Review status: criteria provided, multiple submitters, no conflicts (2 of 4 stars). 2 submissions from 2 submitters: Uncertain significance (2). Last evaluated 2021-09-01.

Conditions:
Bardet-Biedl syndrome (BBS). Identifiers: Orphanet 110, MedGen C0752166, MONDO:0015229.

Allele frequency attached by ClinVar (database versions not stated): gnomAD exomes 0.00001.
gnomAD v4.1: 3 of 1,614,162 alleles (0.00019%); highest among the groups gnomAD compares: South Asian, 0.0033%; no homozygotes.

Submissions (2):

Labcorp Genetics (formerly Invitae), Labcorp
Classification: Uncertain significance for Bardet-Biedl syndrome. Last evaluated: 2021-09-01. Review status: criteria provided, single submitter. Criteria: Invitae Variant Classification Sherloc (09022015). Collection method: clinical testing. Allele origin: germline.
Comment: This sequence change replaces valine with alanine at codon 48 of the BBS12 protein (p.Val48Ala). The valine residue is moderately conserved and there is a small physicochemical difference between valine and alanine. This variant is not present in population databases (ExAC no frequency). This variant has not been reported in the literature in individuals affected with BBS12-related conditions. Algorithms developed to predict the effect of missense changes on protein structure and function are either unavailable or do not agree on the potential impact of this missense change (SIFT: "Deleterious"; PolyPhen-2: "Benign"; Align-GVGD: "Class C0"). In summary, the available evidence is currently insufficient to determine the role of this variant in disease. Therefore, it has been classified as a Variant of Uncertain Significance.

Blueprint Genetics
Classification: Uncertain significance. Last evaluated: 2018-10-03. Review status: criteria provided, single submitter. Criteria: ACMG Guidelines, 2015. Collection method: clinical testing. Allele origin: germline.

NM_152618.3(BBS12):c.143T>C (p.Val48Ala)

Gene: BBS12 (Bardet-Biedl syndrome 12; plus strand). Cytogenetic location: 4q27.
Variant type: single nucleotide variant.
Coding change: c.143T>C on transcript NM_152618.3 (MANE Select); coding-DNA position 143, T replaced by C.
Protein change: p.Val48Ala; replaces valine 48 with alanine.
Molecular consequence: missense variant.
Genome position (GRCh38, 1-based): chr4:122,742,035, T>C. VCF-style: chr4-122742035-T-C. GRCh37 (hg19) VCF-style: chr4-123663190-T-C.
Other names: c.143T>C, p.Val48Ala (NM_001178007.2); short protein forms V48A.
Identifiers: ClinVar variation 1006119 (VCV001006119.3), dbSNP rs1800881705, ClinGen allele CA358222282.